The following is an entry in ClinVar:

NM_000143.4(FH):c.521C>A (p.Pro174His)

Gene: FH (fumarate hydratase; minus strand). Cytogenetic location: 1q43.
Variant type: single nucleotide variant.
Coding change: c.521C>A on transcript NM_000143.4 (MANE Select); coding-DNA position 521, C replaced by A.
Protein change: p.Pro174His; replaces proline 174 with histidine.
Molecular consequence: missense variant.
Genome position (GRCh38, 1-based): chr1:241,512,001, G>T on the plus strand (C>A on the coding strand, the complement: FH is on the minus strand). VCF-style: chr1-241512001-G-T. GRCh37 (hg19) VCF-style: chr1-241675301-G-T.
Other names: short protein forms P174H.
Identifiers: ClinVar variation 578513 (VCV000578513.10), dbSNP rs199822819, ClinGen allele CA345439916.

ClinVar aggregate classification (germline): Conflicting classifications of pathogenicity. Review status: criteria provided, conflicting classifications (1 of 4 stars). 2 submissions from 2 submitters: Likely pathogenic (1); Uncertain significance (1). Last evaluated 2025-11-20.

Conditions:
Hereditary cancer-predisposing syndrome. Also called: Hereditary Cancer Syndrome; Tumor predisposition; Neoplastic Syndromes, Hereditary; Hereditary neoplastic syndrome. Identifiers: Orphanet 140162, MedGen C0027672, MeSH D009386, MONDO:0015356.

gnomAD v4.1: 1 of 1,613,942 alleles (0.000062%); highest among the groups gnomAD compares: Non-Finnish European, 0.000085%; no homozygotes.

Submissions (3):

Ambry Genetics
Classification: Uncertain significance for Hereditary cancer-predisposing syndrome. Last evaluated: 2025-11-20. Review status: criteria provided, single submitter. Criteria: Ambry Variant Classification Scheme 2023. Collection method: clinical testing. Allele origin: germline.
Comment: The p.P174H variant (also known as c.521C>A), located in coding exon 4 of the FH gene, results from a C to A substitution at nucleotide position 521. The proline at codon 174 is replaced by histidine, an amino acid with similar properties. Based on internal structural analysis, this variant is anticipated to result in a significant decrease in structural stability (Ajalla Aleixo MA et al. FEBS J, 2019 May;286:1925-1940; Ambry internal data). This amino acid position is highly conserved in available vertebrate species. In addition, this alteration is predicted to be deleterious by in silico analysis. Based on the available evidence, the clinical significance of this variant remains unclear.

Labcorp Genetics (formerly Invitae), Labcorp
Classification: Likely pathogenic. Last evaluated: 2022-11-29. Review status: criteria provided, single submitter. Criteria: Invitae Variant Classification Sherloc (09022015). Collection method: clinical testing. Allele origin: germline.
Comment: This sequence change replaces proline, which is neutral and non-polar, with histidine, which is basic and polar, at codon 174 of the FH protein (p.Pro174His). In summary, the currently available evidence indicates that the variant is pathogenic, but additional data are needed to prove that conclusively. Therefore, this variant has been classified as Likely Pathogenic. This variant disrupts the p.Pro174 amino acid residue in FH. Other variant(s) that disrupt this residue have been determined to be pathogenic (PMID: 12761039, 16575891, 22069215, 22595425). This suggests that this residue is clinically significant, and that variants that disrupt this residue are likely to be disease-causing. Advanced modeling of protein sequence and biophysical properties (such as structural, functional, and spatial information, amino acid conservation, physicochemical variation, residue mobility, and thermodynamic stability) performed at Invitae indicates that this missense variant is expected to disrupt FH protein function. ClinVar contains an entry for this variant (Variation ID: 578513). This variant has not been reported in the literature in individuals affected with FH-related conditions. This variant is not present in population databases (gnomAD no frequency).

Blake Wilde Laboratory, Roswell Park Comprehensive Cancer Center
No classification provided (evidence only). Condition: Hereditary leiomyomatosis and renal cell cancer. Review status: no classification provided. Collection method: in vitro. Allele origin: not applicable. Functional consequence: decreased enzyme activity. Not counted in ClinVar's aggregate classification.

Literature cited by the submitters: PubMed 30761759 (cited by Ambry Genetics); PubMed 12761039 (cited by Labcorp Genetics (formerly Invitae), Labcorp); PubMed 16575891 (cited by Labcorp Genetics (formerly Invitae), Labcorp); PubMed 22069215 (cited by Labcorp Genetics (formerly Invitae), Labcorp); PubMed 22595425 (cited by Labcorp Genetics (formerly Invitae), Labcorp).